The following is an entry in ClinVar:

ClinVar aggregate classification (germline): Uncertain significance. Review status: criteria provided, multiple submitters, no conflicts (2 of 4 stars). 2 submissions from 2 submitters: Uncertain significance (2). Last evaluated 2026-06-09.

Conditions:
Inborn genetic diseases. Identifiers: MedGen C0950123, MeSH D030342.

Allele frequency attached by ClinVar (database versions not stated): gnomAD exomes 0.00004 and 0.00001; TOPMed below 0.00001; ExAC 0.00001.
gnomAD v4.1: 60 of 1,614,000 alleles (0.0037%); highest among the groups gnomAD compares: Non-Finnish European, 0.0051%; no homozygotes.

Submissions (2):

Ambry Genetics
Classification: Uncertain significance for Inborn genetic diseases. Last evaluated: 2026-06-09. Review status: criteria provided, single submitter. Criteria: Ambry Variant Classification Scheme 2023. Collection method: clinical testing. Allele origin: germline.

GeneDx
Classification: Uncertain significance. Last evaluated: 2021-01-29. Review status: criteria provided, single submitter. Criteria: GeneDx Variant Classification Process June 2021. Collection method: clinical testing. Allele origin: germline. Affected: yes.
Comment: Not observed at a significant frequency in large population cohorts (Lek et al., 2016); In silico analysis supports that this missense variant has a deleterious effect on protein structure/function; Has not been previously published as pathogenic or benign to our knowledge

NM_001042545.2(LTBP4):c.2945A>T (p.Asp982Val)

Gene: LTBP4 (latent transforming growth factor beta binding protein 4; plus strand). Cytogenetic location: 19q13.2.
Variant type: single nucleotide variant.
Coding change: c.2945A>T on transcript NM_001042545.2 (MANE Select); coding-DNA position 2945, A replaced by T.
Protein change: p.Asp982Val; replaces aspartic acid 982 with valine.
Molecular consequence: missense variant.
Genome position (GRCh38, 1-based): chr19:40,617,100, A>T. VCF-style: chr19-40617100-A-T. GRCh37 (hg19) VCF-style: chr19-41123006-A-T.
Other names: c.3146A>T, p.Asp1049Val (NM_001042544.1); c.3035A>T, p.Asp1012Val (NM_003573.2); short protein forms D1012V, D1049V, D982V.
Identifiers: ClinVar variation 1201550 (VCV001201550.4), dbSNP rs759989721, ClinGen allele CA9448853.